The following is an entry in ClinVar:

NM_024408.4(NOTCH2):c.4922A>C (p.Lys1641Thr)

Gene: NOTCH2 (notch receptor 2; minus strand). Cytogenetic location: 1p12.
Variant type: single nucleotide variant.
Coding change: c.4922A>C on transcript NM_024408.4 (MANE Select); coding-DNA position 4922, A replaced by C.
Protein change: p.Lys1641Thr; replaces lysine 1641 with threonine.
Molecular consequence: missense variant.
Genome position (GRCh38, 1-based): chr1:119,922,716, T>G on the plus strand (A>C on the coding strand, the complement: NOTCH2 is on the minus strand). VCF-style: chr1-119922716-T-G. GRCh37 (hg19) VCF-style: chr1-120465339-T-G.
Other names: p.Lys1641Thr; c.4922A>C (NM_024408.3); short protein forms K1641T.
Identifiers: ClinVar variation 1430909 (VCV001430909.11), dbSNP rs148354054, ClinGen allele CA1039770.

ClinVar aggregate classification (germline): Conflicting classifications of pathogenicity. Review status: criteria provided, conflicting classifications (1 of 4 stars). 5 submissions from 5 submitters: Uncertain significance (3); Likely benign (1). 1 of the submissions does not count toward it. Last evaluated 2025-11-18.

Conditions:
NOTCH2-related disorder. Also called: NOTCH2-related condition.
Hajdu-Cheney syndrome (HJCYS). Also called: ACROOSTEOLYSIS WITH OSTEOPOROSIS AND CHANGES IN SKULL AND MANDIBLE; SERPENTINE FIBULA-POLYCYSTIC KIDNEY SYNDROME; Acroosteolysis dominant type. Identifiers: Orphanet 955, MedGen C0917715, MONDO:0007057, OMIM 102500.
Alagille syndrome due to a NOTCH2 point mutation. Also called: Alagille syndrome 2. Identifiers: Orphanet 261629, Orphanet 52, MedGen C1857761, MONDO:0012439, OMIM 610205.

Allele frequency attached by ClinVar (database versions not stated): ExAC 0.00006; gnomAD 0.00007; gnomAD exomes 0.00007 and 0.00015; TOPMed 0.00008; ESP Exome Variant Server 0.00015.
gnomAD v4.1: 226 of 1,614,112 alleles (0.014%); highest among the groups gnomAD compares: Non-Finnish European, 0.018%; no homozygotes.

Submissions (5):

Labcorp Genetics (formerly Invitae), Labcorp
Classification: Uncertain significance for Hajdu-Cheney syndrome. Last evaluated: 2025-11-18. Review status: criteria provided, single submitter. Criteria: Invitae Variant Classification Sherloc (09022015). Collection method: clinical testing. Allele origin: germline.
Comment: This sequence change replaces lysine, which is basic and polar, with threonine, which is neutral and polar, at codon 1641 of the NOTCH2 protein (p.Lys1641Thr). This variant is present in population databases (rs148354054, gnomAD 0.01%). This variant has not been reported in the literature in individuals affected with NOTCH2-related conditions. ClinVar contains an entry for this variant (Variation ID: 1430909). Invitae Evidence Modeling of protein sequence and biophysical properties (such as structural, functional, and spatial information, amino acid conservation, physicochemical variation, residue mobility, and thermodynamic stability) indicates that this missense variant is not expected to disrupt NOTCH2 protein function with a negative predictive value of 80%. In summary, the available evidence is currently insufficient to determine the role of this variant in disease. Therefore, it has been classified as a Variant of Uncertain Significance.

Blueprint Genetics
Classification: Likely benign. Last evaluated: 2024-09-24. Review status: criteria provided, single submitter. Criteria: ACMG Guidelines, 2015. Collection method: clinical testing. Allele origin: germline.

Mayo Clinic Laboratories, Mayo Clinic
Classification: Uncertain significance. Last evaluated: 2024-01-24. Review status: criteria provided, single submitter. Criteria: ACMG Guidelines, 2015. Collection method: clinical testing. Allele origin: germline. Observed: 2 variant alleles.
Comment: BP4, PM2_moderate

Fulgent Genetics
Classification: Uncertain significance for Hajdu-Cheney syndrome; Alagille syndrome due to a NOTCH2 point mutation. Last evaluated: 2022-04-07. Review status: criteria provided, single submitter. Criteria: ACMG Guidelines, 2015. Collection method: clinical testing. Allele origin: unknown.

PreventionGenetics, part of Exact Sciences
Classification: Uncertain significance for NOTCH2-related condition. Last evaluated: 2024-01-31. Review status: no assertion criteria provided. Collection method: clinical testing. Allele origin: germline. Not counted in ClinVar's aggregate classification.
Comment: The NOTCH2 c.4922A>C variant is predicted to result in the amino acid substitution p.Lys1641Thr. To our knowledge, this variant has not been reported in the literature. This variant is reported in 0.013% of alleles in individuals of European (Non-Finnish) descent in gnomAD. Although we suspect that this variant may be benign, at this time, the clinical significance of this variant is uncertain due to the absence of conclusive functional and genetic evidence.